The following is an entry in ClinVar:

NM_006371.5(CRTAP):c.62T>G (p.Leu21Arg)

Genes: CRTAP (cartilage associated protein; plus strand), LOC129936436 (ATAC-STARR-seq lymphoblastoid silent region 14183; plus strand). Cytogenetic location: 3p22.3.
Variant type: single nucleotide variant.
Coding change: c.62T>G on transcript NM_006371.5 (MANE Select); coding-DNA position 62, T replaced by G.
Protein change: p.Leu21Arg; replaces leucine 21 with arginine.
Molecular consequence: missense variant.
Genome position (GRCh38, 1-based): chr3:33,114,139, T>G. VCF-style: chr3-33114139-T-G. GRCh37 (hg19) VCF-style: chr3-33155631-T-G.
Other names: short protein forms L21R.
Identifiers: ClinVar variation 1001536 (VCV001001536.2), dbSNP rs775265156, ClinGen allele CA2300179.

ClinVar aggregate classification (germline): Uncertain significance (1 of 4 stars; one submission).

Conditions:
Osteogenesis imperfecta type 7 (OI7). Also called: OSTEOGENESIS IMPERFECTA, TYPE IIB; Osteogenesis imperfecta type 2B; OI type 2B; Osteogenesis imperfecta, perinatal lethal autosomal recessive; OI type IIB; OI type 7. Identifiers: MedGen C1853162, MONDO:0012536, OMIM 610682.

Allele frequency attached by ClinVar (database versions not stated): gnomAD exomes 0.00004; TOPMed 0.00004; gnomAD 0.00005; ExAC 0.00006.
gnomAD v4.1: 88 of 1,571,880 alleles (0.0056%); highest among the groups gnomAD compares: Non-Finnish European, 0.0066%; no homozygotes.

Submission:

Labcorp Genetics (formerly Invitae), Labcorp
Classification: Uncertain significance for Osteogenesis imperfecta type 7. Last evaluated: 2022-05-22. Review status: criteria provided, single submitter. Criteria: Invitae Variant Classification Sherloc (09022015). Collection method: clinical testing. Allele origin: germline.
Comment: This sequence change replaces leucine, which is neutral and non-polar, with arginine, which is basic and polar, at codon 21 of the CRTAP protein (p.Leu21Arg). This variant is present in population databases (rs775265156, gnomAD 0.007%). This variant has not been reported in the literature in individuals affected with CRTAP-related conditions. ClinVar contains an entry for this variant (Variation ID: 1001536). Algorithms developed to predict the effect of missense changes on protein structure and function (SIFT, PolyPhen-2, Align-GVGD) all suggest that this variant is likely to be tolerated. In summary, the available evidence is currently insufficient to determine the role of this variant in disease. Therefore, it has been classified as a Variant of Uncertain Significance.